The following is an entry in ClinVar:

ClinVar aggregate classification (germline): Uncertain significance. Review status: criteria provided, multiple submitters, no conflicts (2 of 4 stars). 2 submissions from 2 submitters: Uncertain significance (2). Last evaluated 2025-01-13.

Conditions:
Familial thoracic aortic aneurysm and aortic dissection (TAAD). Also called: Thoracic aortic aneurysms and dissections. Identifiers: Orphanet 91387, MedGen C4707243, MONDO:0019625.
Aortic aneurysm, familial thoracic 4 (AAT4). Also called: AORTIC ANEURYSM/AORTIC DISSECTION AND PATENT DUCTUS ARTERIOSUS. Identifiers: MedGen C1851504, MONDO:0007568, OMIM 132900.

gnomAD v4.1: 1 of 1,614,188 alleles (0.000062%); highest among the groups gnomAD compares: Non-Finnish European, 0.000085%; no homozygotes.

Submissions (2):

Labcorp Genetics (formerly Invitae), Labcorp
Classification: Uncertain significance for Aortic aneurysm, familial thoracic 4. Last evaluated: 2025-01-13. Review status: criteria provided, single submitter. Criteria: Invitae Variant Classification Sherloc (09022015). Collection method: clinical testing. Allele origin: germline.
Comment: This sequence change replaces leucine, which is neutral and non-polar, with phenylalanine, which is neutral and non-polar, at codon 1808 of the MYH11 protein (p.Leu1808Phe). This variant is not present in population databases (gnomAD no frequency). This variant has not been reported in the literature in individuals affected with MYH11-related conditions. ClinVar contains an entry for this variant (Variation ID: 1747315). Invitae Evidence Modeling of protein sequence and biophysical properties (such as structural, functional, and spatial information, amino acid conservation, physicochemical variation, residue mobility, and thermodynamic stability) indicates that this missense variant is not expected to disrupt MYH11 protein function with a negative predictive value of 95%. In summary, the available evidence is currently insufficient to determine the role of this variant in disease. Therefore, it has been classified as a Variant of Uncertain Significance.

Ambry Genetics
Classification: Uncertain significance for Familial thoracic aortic aneurysm and aortic dissection. Last evaluated: 2021-11-02. Review status: criteria provided, single submitter. Criteria: Ambry Variant Classification Scheme 2023. Collection method: clinical testing. Allele origin: germline.
Comment: The p.L1801F variant (also known as c.5401C>T), located in coding exon 37 of the MYH11 gene, results from a C to T substitution at nucleotide position 5401. The leucine at codon 1801 is replaced by phenylalanine, an amino acid with highly similar properties. This amino acid position is conserved. In addition, the in silico prediction for this alteration is inconclusive. Since supporting evidence is limited at this time, the clinical significance of this alteration remains unclear.

NM_002474.3(MYH11):c.5401C>T (p.Leu1801Phe)

Genes: NDE1 (nudE neurodevelopment protein 1; plus strand), MYH11 (myosin heavy chain 11; minus strand). Cytogenetic location: 16p13.11.
Variant type: single nucleotide variant.
Coding change: c.5401C>T on transcript NM_002474.3 (MANE Select); coding-DNA position 5401, C replaced by T.
Protein change: p.Leu1801Phe; replaces leucine 1801 with phenylalanine.
Molecular consequence: missense variant. On other transcripts: intron variant (2).
Genome position (GRCh38, 1-based): chr16:15,717,243, G>A on the plus strand (C>T on the coding strand, the complement: MYH11 is on the minus strand). VCF-style: chr16-15717243-G-A. GRCh37 (hg19) VCF-style: chr16-15811100-G-A.
Other names: c.5422C>T, p.Leu1808Phe (NM_001040113.2, NM_001040114.2); c.5401C>T, p.Leu1801Phe (NM_022844.3); c.948-6948G>A (NM_001143979.2, NM_017668.3); short protein forms L1808F, L1801F.
Identifiers: ClinVar variation 1747315 (VCV001747315.4), dbSNP rs1567687790, ClinGen allele CA394848972.